The following is an entry in ClinVar:

NM_002123.5(HLA-DQB1):c.84A>T (p.Leu28=)

Gene: HLA-DQB1 (major histocompatibility complex, class II, DQ beta 1; minus strand). Cytogenetic location: 6p21.32.
Variant type: single nucleotide variant.
Coding change: c.84A>T on transcript NM_002123.5 (MANE Select); coding-DNA position 84, A replaced by T.
Protein change: p.Leu28=; no amino-acid change (leucine 28 retained).
Molecular consequence: synonymous variant.
Genome position (GRCh38, 1-based): chr6:32,666,524, T>A on the plus strand (A>T on the coding strand, the complement: HLA-DQB1 is on the minus strand). VCF-style: chr6-32666524-T-A. GRCh37 (hg19) VCF-style: chr6-32634301-T-A.
Other names: c.84A>T, p.Leu28= (NM_001243961.2).
Identifiers: ClinVar variation 3771239 (VCV003771239.13).

ClinVar aggregate classification (germline): Likely benign (1 of 4 stars; one submission).

Submission:

CeGaT Center for Human Genetics Tuebingen
Classification: Likely benign. Last evaluated: 2024-12-01. Review status: criteria provided, single submitter. Criteria: CeGaT Center For Human Genetics Tuebingen Variant Classification Criteria Version 2. Collection method: clinical testing. Allele origin: germline. Affected: yes. Observed: 1 variant allele.
Comment: HLA-DQB1: PM2:Supporting, BP4, BP7